The following is an entry in ClinVar:

NM_000742.4(CHRNA2):c.777C>T (p.Phe259=)

Gene: CHRNA2 (cholinergic receptor nicotinic alpha 2 subunit; minus strand). Cytogenetic location: 8p21.2.
Variant type: single nucleotide variant.
Coding change: c.777C>T on transcript NM_000742.4 (MANE Select); coding-DNA position 777, C replaced by T.
Protein change: p.Phe259=; no amino-acid change (phenylalanine 259 retained).
Molecular consequence: synonymous variant.
Genome position (GRCh38, 1-based): chr8:27,463,666, G>A on the plus strand (C>T on the coding strand, the complement: CHRNA2 is on the minus strand). VCF-style: chr8-27463666-G-A. GRCh37 (hg19) VCF-style: chr8-27321183-G-A.
Other names: c.732C>T, p.Phe244= (NM_001282455.2); c.300C>T, p.Phe100= (NM_001347705.2, NM_001347706.2); c.183C>T, p.Phe61= (NM_001347707.2, NM_001347708.2).
Identifiers: ClinVar variation 511555 (VCV000511555.9), dbSNP rs77769511, ClinGen allele CA4689597.

ClinVar aggregate classification (germline): Likely benign. Review status: criteria provided, multiple submitters, no conflicts (2 of 4 stars). 3 submissions from 3 submitters: Likely benign (3). Last evaluated 2025-12-29.

Conditions:
Familial sleep-related hypermotor epilepsy. Also called: Autosomal Dominant Sleep-Related Hypermotor (Hyperkinetic) Epilepsy. Identifiers: Orphanet 98784, MedGen C3696898, MONDO:0000030.

Allele frequency attached by ClinVar (database versions not stated): ESP Exome Variant Server 0.00008; TOPMed 0.00006; ExAC 0.00002; gnomAD exomes 0.00003; gnomAD 0.00004.
gnomAD v4.1: 80 of 1,614,048 alleles (0.005%); highest among the groups gnomAD compares: East Asian, 0.013%; no homozygotes.

Submissions (3):

Women's Health and Genetics/Laboratory Corporation of America, LabCorp
Classification: Likely benign. Last evaluated: 2025-12-29. Review status: criteria provided, single submitter. Criteria: LabCorp Variant Classification Summary - May 2015. Collection method: clinical testing. Allele origin: germline.

Labcorp Genetics (formerly Invitae), Labcorp
Classification: Likely benign. Last evaluated: 2025-07-09. Review status: criteria provided, single submitter. Criteria: Invitae Variant Classification Sherloc (09022015). Collection method: clinical testing. Allele origin: germline.

GeneDx
Classification: Likely benign. Last evaluated: 2017-08-17. Review status: criteria provided, single submitter. Criteria: GeneDx Variant Classification (06012015). Collection method: clinical testing. Allele origin: germline. Affected: yes.
Comment: This variant is considered likely benign or benign based on one or more of the following criteria: it is a conservative change, it occurs at a poorly conserved position in the protein, it is predicted to be benign by multiple in silico algorithms, and/or has population frequency not consistent with disease.